The following is an entry in ClinVar:

ClinVar aggregate classification (germline): Uncertain significance (1 of 4 stars; one submission).

Allele frequency attached by ClinVar (database versions not stated): gnomAD exomes below 0.00001; ExAC 0.00001; gnomAD 0.00002; 1000 Genomes Project 30x 0.00016; TOPMed 0.00001; 1000 Genomes Project 0.00020.
gnomAD v4.1: 6 of 1,613,576 alleles (0.00037%); highest among the groups gnomAD compares: African/African-American, 0.0067%; no homozygotes.

Submission:

Labcorp Genetics (formerly Invitae), Labcorp
Classification: Uncertain significance. Last evaluated: 2022-11-28. Review status: criteria provided, single submitter. Criteria: Invitae Variant Classification Sherloc (09022015). Collection method: clinical testing. Allele origin: germline.
Comment: This sequence change replaces valine, which is neutral and non-polar, with alanine, which is neutral and non-polar, at codon 975 of the RBP3 protein (p.Val975Ala). This variant is present in population databases (rs559034038, gnomAD 0.007%). This variant has not been reported in the literature in individuals affected with RBP3-related conditions. Algorithms developed to predict the effect of missense changes on protein structure and function are either unavailable or do not agree on the potential impact of this missense change (SIFT: "Deleterious"; PolyPhen-2: "Benign"; Align-GVGD: "Class C25"). In summary, the available evidence is currently insufficient to determine the role of this variant in disease. Therefore, it has been classified as a Variant of Uncertain Significance.

NM_002900.3(RBP3):c.2924T>C (p.Val975Ala)

Gene: RBP3 (retinol binding protein 3; plus strand). Cytogenetic location: 10q11.22.
Variant type: single nucleotide variant.
Coding change: c.2924T>C on transcript NM_002900.3 (MANE Select); coding-DNA position 2924, T replaced by C.
Protein change: p.Val975Ala; replaces valine 975 with alanine.
Molecular consequence: missense variant.
Genome position (GRCh38, 1-based): chr10:47,351,408, T>C. VCF-style: chr10-47351408-T-C. GRCh37 (hg19) VCF-style: chr10-48387954-A-G.
Other names: short protein forms V975A.
Identifiers: ClinVar variation 2077935 (VCV002077935.4), dbSNP rs559034038, ClinGen allele CA5487173.
Genomic context (GRCh38, chr10:47,351,408, plus strand): 5'-CCGAGCTGGGGGCCAAGATGGCCACCAAACTGAGCGGTCTGCAGAGCCGCTACTCCAGGG[T>C]GACCTCAGAAGTGGCCCTAGCCGAGATCCTGGGGGCTGACCTGCAGATGCTCTCCGGAGA-3'
Protein context (NP_002891.1, residues 965-985): LSGLQSRYSR[Val975Ala]TSEVALAEIL